The following is an entry in ClinVar:

NM_005585.5(SMAD6):c.682C>G (p.Arg228Gly)

Gene: SMAD6 (SMAD family member 6; plus strand). Cytogenetic location: 15q22.31.
Variant type: single nucleotide variant.
Coding change: c.682C>G on transcript NM_005585.5 (MANE Select); coding-DNA position 682, C replaced by G.
Protein change: p.Arg228Gly; replaces arginine 228 with glycine.
Molecular consequence: missense variant. On other transcripts: non-coding transcript variant (1).
Genome position (GRCh38, 1-based): chr15:66,703,940, C>G. VCF-style: chr15-66703940-C-G. GRCh37 (hg19) VCF-style: chr15-66996278-C-G.
Other names: short protein forms R228G.
Identifiers: ClinVar variation 3007739 (VCV003007739.3), dbSNP rs1893046390, ClinGen allele CA392950029.

ClinVar aggregate classification (germline): Uncertain significance (1 of 4 stars; one submission).

Conditions:
Aortic valve disease 2 (AOVD2). Identifiers: MedGen C3542024, MONDO:0013902, OMIM 614823.

gnomAD v4.1: 3 of 1,382,564 alleles (0.00022%); highest among the groups gnomAD compares: Non-Finnish European, 0.00028%; no homozygotes.

Submission:

Labcorp Genetics (formerly Invitae), Labcorp
Classification: Uncertain significance for Aortic valve disease 2. Last evaluated: 2023-08-14. Review status: criteria provided, single submitter. Criteria: Invitae Variant Classification Sherloc (09022015). Collection method: clinical testing. Allele origin: germline.
Comment: In summary, the available evidence is currently insufficient to determine the role of this variant in disease. Therefore, it has been classified as a Variant of Uncertain Significance. Advanced modeling of protein sequence and biophysical properties (such as structural, functional, and spatial information, amino acid conservation, physicochemical variation, residue mobility, and thermodynamic stability) performed at Invitae indicates that this missense variant is not expected to disrupt SMAD6 protein function. This variant has not been reported in the literature in individuals affected with SMAD6-related conditions. This variant is not present in population databases (gnomAD no frequency). This sequence change replaces arginine, which is basic and polar, with glycine, which is neutral and non-polar, at codon 228 of the SMAD6 protein (p.Arg228Gly).